The following is an entry in ClinVar:

ClinVar aggregate classification (germline): Uncertain significance (1 of 4 stars; one submission).

Conditions:
Developmental and epileptic encephalopathy, 37 (DEE37). Also called: Epileptic encephalopathy, early infantile, 37. Identifiers: MedGen C4310770, MONDO:0014859, OMIM 616981.

Allele frequency attached by ClinVar (database versions not stated): gnomAD exomes below 0.00001 and 0.00001; gnomAD 0.00001; TOPMed 0.00001.

Submission:

Labcorp Genetics (formerly Invitae), Labcorp
Classification: Uncertain significance for Developmental and epileptic encephalopathy, 37. Last evaluated: 2022-03-19. Review status: criteria provided, single submitter. Criteria: Invitae Variant Classification Sherloc (09022015). Collection method: clinical testing. Allele origin: germline.
Comment: This sequence change replaces glycine, which is neutral and non-polar, with serine, which is neutral and polar, at codon 288 of the FRRS1L protein (p.Gly288Ser). This variant also falls at the last nucleotide of exon 4, which is part of the consensus splice site for this exon. This variant is present in population databases (no rsID available, gnomAD 0.002%). This variant has not been reported in the literature in individuals affected with FRRS1L-related conditions. ClinVar contains an entry for this variant (Variation ID: 944805). Algorithms developed to predict the effect of missense changes on protein structure and function are either unavailable or do not agree on the potential impact of this missense change (SIFT: "Tolerated"; PolyPhen-2: "Probably Damaging"; Align-GVGD: "Class C0"). Variants that disrupt the consensus splice site are a relatively common cause of aberrant splicing (PMID: 17576681, 9536098). Algorithms developed to predict the effect of sequence changes on RNA splicing suggest that this variant may disrupt the consensus splice site. In summary, the available evidence is currently insufficient to determine the role of this variant in disease. Therefore, it has been classified as a Variant of Uncertain Significance.

Literature cited by the submitters: PubMed 17576681; PubMed 9536098.

NM_014334.4(FRRS1L):c.709G>A (p.Gly237Ser)

Gene: FRRS1L (ferric chelate reductase 1 like; minus strand). Cytogenetic location: 9q31.3.
Variant type: single nucleotide variant.
Coding change: c.709G>A on transcript NM_014334.4 (MANE Select); coding-DNA position 709, G replaced by A.
Protein change: p.Gly237Ser; replaces glycine 237 with serine.
Molecular consequence: missense variant.
Genome position (GRCh38, 1-based): chr9:109,141,343, C>T on the plus strand (G>A on the coding strand, the complement: FRRS1L is on the minus strand). VCF-style: chr9-109141343-C-T. GRCh37 (hg19) VCF-style: chr9-111903623-C-T.
Other names: short protein forms G237S.
Identifiers: ClinVar variation 944805 (VCV000944805.7), dbSNP rs1384271090, ClinGen allele CA374423739.